The following is an entry in ClinVar:

NM_015346.4(ZFYVE26):c.2003T>G (p.Leu668Ter)

Gene: ZFYVE26 (zinc finger FYVE-type containing 26; minus strand). Cytogenetic location: 14q24.1.
Variant type: single nucleotide variant.
Coding change: c.2003T>G on transcript NM_015346.4 (MANE Select); coding-DNA position 2003, T replaced by G.
Protein change: p.Leu668Ter; replaces leucine 668 with a stop codon.
Molecular consequence: nonsense.
Genome position (GRCh38, 1-based): chr14:67,798,259, A>C on the plus strand (T>G on the coding strand, the complement: ZFYVE26 is on the minus strand). VCF-style: chr14-67798259-A-C. GRCh37 (hg19) VCF-style: chr14-68264976-A-C.
Other names: short protein forms L668*.
Identifiers: ClinVar variation 1444375 (VCV001444375.7), dbSNP rs2140242947, ClinGen allele CA390175393.

ClinVar aggregate classification (germline): Pathogenic. Review status: criteria provided, multiple submitters, no conflicts (2 of 4 stars). 2 submissions from 2 submitters: Pathogenic (2). Last evaluated 2026-03-28.

Conditions:
Hereditary spastic paraplegia 15 (SPG15). Also called: SPASTIC PARAPLEGIA AND RETINAL DEGENERATION; SPASTIC PARAPLEGIA 15, AUTOSOMAL RECESSIVE; KJELLIN SYNDROME. Identifiers: Orphanet 100996, MedGen C1849128, MONDO:0010044, OMIM 270700.
Spastic paraplegia. Identifiers: MedGen C0037772, HP:0001258.

Submissions (2):

Myriad Genetics, Inc.
Classification: Pathogenic for Hereditary spastic paraplegia 15. Last evaluated: 2026-03-28. Review status: criteria provided, single submitter. Criteria: Myriad Autosomal Dominant, Autosomal Recessive and X-Linked Classification Criteria (2023). Collection method: clinical testing. Allele origin: unknown.
Comment: NM_015346.3(ZFYVE26):c.2003T>G(L668*) is expected to be pathogenic in the context of spastic paraplegia type 15. This variant is predicted to lead to an abnormal or absent protein product due to the creation of a premature termination codon in ZFYVE26, a gene where loss-of-function variants are known to be pathogenic. Please note: this variant was assessed in the context of healthy population screening.

Labcorp Genetics (formerly Invitae), Labcorp
Classification: Pathogenic for Spastic paraplegia. Last evaluated: 2021-11-09. Review status: criteria provided, single submitter. Criteria: Invitae Variant Classification Sherloc (09022015). Collection method: clinical testing. Allele origin: germline.
Comment: This sequence change creates a premature translational stop signal (p.Leu668*) in the ZFYVE26 gene. It is expected to result in an absent or disrupted protein product. Loss-of-function variants in ZFYVE26 are known to be pathogenic (PMID: 18394578, 19805727). This variant is not present in population databases (gnomAD no frequency). For these reasons, this variant has been classified as Pathogenic. This variant has not been reported in the literature in individuals affected with ZFYVE26-related conditions.

Literature cited by the submitters: PubMed 18394578 (cited by Labcorp Genetics (formerly Invitae), Labcorp); PubMed 19805727 (cited by Labcorp Genetics (formerly Invitae), Labcorp).